The following continues an entry in ClinVar:

NM_000260.4(MYO7A):c.2904G>T (p.Glu968Asp)

Gene: MYO7A. ClinVar aggregate classification (germline): Likely pathogenic. Likely pathogenic (1).

Submissions 10 to 11 of 11:

Laboratory for Molecular Medicine, Mass General Brigham Personalized Medicine
Classification: Pathogenic for Rare genetic deafness. Last evaluated: 2018-05-15. Review status: criteria provided, single submitter. Criteria: LMM Criteria. Collection method: clinical testing. Allele origin: germline. Observed: 2 variant alleles. Not counted in ClinVar's aggregate classification.
Comment: The p.Glu968Asp variant in MYO7A has been identified at least 7 individuals with clinical features of Usher syndrome, including 1 homozygote and 5 compound hete rozygotes (Bharadwaj 2000, Ouyang 2005, Jacobson 2008, Le Quesne 2012, Bujakowsk a 2014, Zhao 2015, Sloan-Heggen 2016, Bonnet 2016, LMM unpublished data). This v ariant has been identified in 4/125720 European chromosomes by the Genome Aggreg ation Database (gnomAD; dbSNP rs111033233). Al though this variant has been seen in the general population, its frequency is lo w enough to be consistent with a recessive carrier frequency. The p.Glu968Asp va riant is located in the last base of the exon, which is part of the 5? splice re gion and computational tools predict altered splicing. In summary, this variant meets criteria to be classified as pathogenic for Usher syndrome in an autosomal recessive manner based upon proband counts, frequency in controls, and predicte d impact on protein. ACMG/AMP Criteria applied: PM3_VeryStrong, PS4, PM2, PVS1_M oderate.

GeneDx
Classification: Pathogenic. Last evaluated: 2015-09-22. Review status: criteria provided, single submitter. Criteria: GeneDx Variant Classification (06012015). Collection method: clinical testing. Allele origin: germline. Affected: yes. Not counted in ClinVar's aggregate classification.
Comment: The E968D missense variant in the MYO7A gene has been reported in association with Usher syndrome type I (Bharadwaj et al., 2000; Jacobson et al., 2009). In both reports, E968D was identified in a patient who also harbored a second missense variant. The c.2904 G>T pathogenic variant changes the last nucleotide in exon 23 of the MYO7A gene, which might affect the donor splice site and result in exons skipping. Splice prediction algorithms indicate that the E968D variant destroys the donor splice site. E968D was not observed in approximately 6,200 individuals of European and African American ancestry in the NHLBI Exome Sequencing Project, indicating it is not a common benign variant in these populations. Therefore, we interpret E968D to be a pathogenic variant.

Literature cited by the submitters: PubMed 10930322 (cited by 4 submitters); PubMed 25472526 (cited by 5 submitters); PubMed 26969326 (cited by 5 submitters); PubMed 31964843 (cited by Genetics Research Center, University of Social Welfare and Rehabilitation Sciences and Institute of Human Genetics, Univ. Regensburg, Univ. Regensburg); PubMed 31980526 (cited by Genetics Research Center, University of Social Welfare and Rehabilitation Sciences and Institute of Human Genetics, Univ. Regensburg, Univ. Regensburg); PubMed 33089500 (cited by 3 submitters); PubMed 31963381 (cited by Genetics Research Center, University of Social Welfare and Rehabilitation Sciences and Institute of Human Genetics, Univ. Regensburg, Univ. Regensburg); PubMed 34148116 (cited by Genetics Research Center, University of Social Welfare and Rehabilitation Sciences and Institute of Human Genetics, Univ. Regensburg, Univ. Regensburg); PubMed 34426522 (cited by Genetics Research Center, University of Social Welfare and Rehabilitation Sciences and Institute of Human Genetics, Univ. Regensburg, Univ. Regensburg); PubMed 34948090 (cited by Genetics Research Center, University of Social Welfare and Rehabilitation Sciences and Institute of Human Genetics, Univ. Regensburg, Univ. Regensburg); PubMed 28944237 (cited by Natera, Inc.); PubMed 24199935 (cited by Natera, Inc. and Labcorp Genetics (formerly Invitae), Labcorp); PubMed 15660226 (cited by 3 submitters); PubMed 17576681 (cited by Labcorp Genetics (formerly Invitae), Labcorp); PubMed 9536098 (cited by Labcorp Genetics (formerly Invitae), Labcorp); PubMed 19074810 (cited by Laboratory for Molecular Medicine, Mass General Brigham Personalized Medicine); PubMed 25468891 (cited by Laboratory for Molecular Medicine, Mass General Brigham Personalized Medicine); PubMed 22135276 (cited by Laboratory for Molecular Medicine, Mass General Brigham Personalized Medicine); PubMed 27460420 (cited by Laboratory for Molecular Medicine, Mass General Brigham Personalized Medicine).